The following is an entry in ClinVar:

NC_000009.11:g.(?_133924387)_(133924537_?)dup

Gene: LAMC3 (laminin subunit gamma 3; plus strand). Cytogenetic location: 9q34.12.
Variant type: Duplication.
Identifiers: ClinVar variation 1440496 (VCV001440496.4).

ClinVar aggregate classification (germline): Uncertain significance (1 of 4 stars; one submission).

Submission:

Labcorp Genetics (formerly Invitae), Labcorp
Classification: Uncertain significance. Last evaluated: 2022-03-20. Review status: criteria provided, single submitter. Criteria: Invitae Variant Classification Sherloc (09022015). Collection method: clinical testing. Allele origin: germline.
Comment: This variant results in a copy number gain of the genomic region encompassing exon(s) 9 of the LAMC3 gene. While the exact position of this variant cannot be determined from the data, sub-genic copy number gains are generally in tandem (PMID: 25640679). This variant is predicted to be in-frame, and likely preserves the integrity of the reading frame. This variant has not been reported in the literature in individuals affected with LAMC3-related conditions. Experimental studies and prediction algorithms are not available or were not evaluated, and the functional significance of this variant is currently unknown. In summary, the available evidence is currently insufficient to determine the role of this variant in disease. Therefore, it has been classified as a Variant of Uncertain Significance.

Literature cited by the submitters: PubMed 25640679.